The following is an entry in ClinVar:

NM_007186.6(CEP250):c.6515A>G (p.Lys2172Arg)

Gene: CEP250 (centrosomal protein 250; plus strand). Cytogenetic location: 20q11.22.
Variant type: single nucleotide variant.
Coding change: c.6515A>G on transcript NM_007186.6 (MANE Select); coding-DNA position 6515, A replaced by G.
Protein change: p.Lys2172Arg; replaces lysine 2172 with arginine.
Molecular consequence: missense variant.
Genome position (GRCh38, 1-based): chr20:35,504,884, A>G. VCF-style: chr20-35504884-A-G. GRCh37 (hg19) VCF-style: chr20-34092712-A-G.
Other names: c.4619A>G, p.Lys1540Arg (NM_001318219.1); short protein forms K2172R, K1540R.
Identifiers: ClinVar variation 948331 (VCV000948331.9), dbSNP rs781529518, ClinGen allele CA9834083.

ClinVar aggregate classification (germline): Uncertain significance. Review status: criteria provided, multiple submitters, no conflicts (2 of 4 stars). 2 submissions from 2 submitters: Uncertain significance (2). Last evaluated 2021-12-22.

Allele frequency attached by ClinVar (database versions not stated): gnomAD exomes 0.00001; ExAC 0.00002.
gnomAD v4.1: 9 of 1,614,190 alleles (0.00056%); highest among the groups gnomAD compares: Non-Finnish European, 0.00076%; no homozygotes.

Submissions (2):

Blueprint Genetics
Classification: Uncertain significance. Last evaluated: 2021-12-22. Review status: criteria provided, single submitter. Criteria: ACMG Guidelines, 2015. Collection method: clinical testing. Allele origin: germline.

Labcorp Genetics (formerly Invitae), Labcorp
Classification: Uncertain significance. Last evaluated: 2020-08-10. Review status: criteria provided, single submitter. Criteria: Invitae Variant Classification Sherloc (09022015). Collection method: clinical testing. Allele origin: germline.
Comment: In summary, the available evidence is currently insufficient to determine the role of this variant in disease. Therefore, it has been classified as a Variant of Uncertain Significance. Algorithms developed to predict the effect of missense changes on protein structure and function (SIFT, PolyPhen-2, Align-GVGD) all suggest that this variant is likely to be tolerated, but these predictions have not been confirmed by published functional studies and their clinical significance is uncertain. This variant has not been reported in the literature in individuals with CEP250-related conditions. This variant is present in population databases (rs781529518, ExAC 0.005%). This sequence change replaces lysine with arginine at codon 2172 of the CEP250 protein (p.Lys2172Arg). The lysine residue is moderately conserved and there is a small physicochemical difference between lysine and arginine.